The following is an entry in ClinVar:

NM_001042492.3(NF1):c.4577+9del

Gene: NF1 (neurofibromin 1; plus strand). Cytogenetic location: 17q11.2.
Variant type: Deletion.
Coding change: c.4577+9del on transcript NM_001042492.3 (MANE Select); 9 bases into the intron after coding-DNA position 4577, one base deleted (T; older notation c.4577+9delT).
Molecular consequence: intron variant.
Genome position (GRCh38, 1-based): chr17:31,260,524, T deleted; the last of 3 consecutive T bases (chr17:31,260,522-31,260,524); deleting any one gives the same sequence. VCF-style (leftmost placement, unchanged base first): chr17-31260521-AT-A. GRCh37 (hg19) VCF-style: chr17-29587539-AT-A.
Other names: c.4514+9delT (NM_000267.3); c.4514+9del (NM_000267.4).
Identifiers: ClinVar variation 412971 (VCV000412971.11), dbSNP rs772339679, ClinGen allele CA8486431.

ClinVar aggregate classification (germline): Likely benign. Review status: criteria provided, multiple submitters, no conflicts (2 of 4 stars). 2 submissions from 2 submitters: Likely benign (2). Last evaluated 2026-05-13.

Conditions:
Neurofibromatosis, type 1 (NF1). Also called: VON RECKLINGHAUSEN DISEASE; NEUROFIBROMATOSIS, TYPE I, SOMATIC; Neurofibromatosis, type I; Peripheral type neurofibromatosis. Identifiers: Orphanet 636, MedGen C0027831, MONDO:0018975, OMIM 162200. Disease mechanism: loss of function.

Submissions (2):

Myriad Genetics, Inc.
Classification: Likely benign for Neurofibromatosis, type 1. Last evaluated: 2026-05-13. Review status: criteria provided, single submitter. Criteria: Myriad Autosomal Dominant, Autosomal Recessive and X-Linked Classification Criteria (2023). Collection method: clinical testing. Allele origin: unknown.
Comment: This variant is considered likely benign. This variant is intronic and is not expected to impact mRNA splicing.

Labcorp Genetics (formerly Invitae), Labcorp
Classification: Likely benign for Neurofibromatosis, type 1. Last evaluated: 2024-10-18. Review status: criteria provided, single submitter. Criteria: Invitae Variant Classification Sherloc (09022015). Collection method: clinical testing. Allele origin: germline.